The following is an entry in ClinVar:

NM_007294.4(BRCA1):c.2309C>A (p.Ser770Ter)

Gene: BRCA1 (BRCA1 DNA repair associated; minus strand). Cytogenetic location: 17q21.31.
Variant type: single nucleotide variant.
Coding change: c.2309C>A on transcript NM_007294.4 (MANE Select); coding-DNA position 2309, C replaced by A.
Protein change: p.Ser770Ter; replaces serine 770 with a stop codon.
Molecular consequence: nonsense. On other transcripts: intron variant (137).
Genome position (GRCh38, 1-based): chr17:43,093,222, G>T on the plus strand (C>A on the coding strand, the complement: BRCA1 is on the minus strand). VCF-style: chr17-43093222-G-T. GRCh37 (hg19) VCF-style: chr17-41245239-G-T.
Other names: 2428C>A; c.548-2190C>A (NM_001408494.1); c.664+1522C>A (NM_001408444.1, NM_001408438.1, NM_001408430.1 and 12 more transcripts); c.671-2190C>A (NM_001408423.1, NM_001408420.1, NM_001408419.1 and 2 more transcripts); c.787+1522C>A (NM_001408404.1, NM_001408472.1, NM_001407990.1 and 17 more transcripts); c.788-1083C>A (NM_001407969.1, NM_001407968.1); c.577+1522C>A (NM_001408492.1, NM_001408513.1, NM_001408489.1 and 9 more transcripts); c.643+1522C>A (NM_001408468.1, NM_001408465.1, NM_001408463.1 and 3 more transcripts); and 42 more; short protein forms S770*, S723*, S602*, S642*, S700*, S722*, S643*, S659*.
Identifiers: ClinVar variation 54527 (VCV000054527.39), dbSNP rs80357063, ClinGen allele CA001536.

ClinVar aggregate classification (germline): Pathogenic. Review status: reviewed by expert panel (3 of 4 stars). 16 submissions from 16 submitters: Pathogenic (1). 15 of the submissions do not count toward it. Last evaluated 2016-09-08.

Conditions:
Hereditary cancer-predisposing syndrome. Also called: Tumor predisposition; Neoplastic Syndromes, Hereditary; Hereditary Cancer Syndrome; Hereditary neoplastic syndrome. Identifiers: Orphanet 140162, MedGen C0027672, MeSH D009386, MONDO:0015356.
Familial cancer of breast. Also called: Hereditary breast cancer; hereditary breast carcinoma; BREAST CANCER, FAMILIAL. Identifiers: Orphanet 227535, MedGen C0346153, MONDO:0016419, OMIM 114480. Disease mechanism: loss of function.
Breast-ovarian cancer, familial, susceptibility to, 1 (BROVCA1). Also called: OVARIAN CANCER, SUSCEPTIBILITY TO; BRCA1 Hereditary Breast and Ovarian Cancer. Identifiers: Orphanet 145, MedGen C2676676, MONDO:0011450, OMIM 604370. Disease mechanism: loss of function.
Pancreatic cancer, susceptibility to, 4. Identifiers: Orphanet 1333, MedGen C3280442, MONDO:0013685, OMIM 614320.
Fanconi anemia, complementation group S (FANCS). Identifiers: MedGen C4554406, MONDO:0054748, OMIM 617883.
Hereditary breast ovarian cancer syndrome. Also called: Hereditary breast and ovarian cancer syndrome (HBOC); Hereditary breast and ovarian cancer syndrome; Hereditary breast and ovarian cancer; Hereditary breast and/or ovarian cancer syndrome; Breast and ovarian cancer; BRCA1- and BRCA2-Associated Hereditary Breast and Ovarian Cancer. Identifiers: Orphanet 145, MedGen C0677776, MeSH D061325, MONDO:0003582. Disease mechanism: loss of function.

Submissions 1 to 10 of 16:

Evidence-based Network for the Interpretation of Germline Mutant Alleles (ENIGMA)
Classification: Pathogenic for Breast-ovarian cancer, familial, susceptibility to, 1. Last evaluated: 2016-09-08. Review status: reviewed by expert panel. Criteria: ENIGMA BRCA1/2 Classification Criteria (2015). Collection method: curation. Allele origin: germline.
Comment: Variant allele predicted to encode a truncated non-functional protein.

Labcorp Genetics (formerly Invitae), Labcorp
Classification: Pathogenic for Hereditary breast ovarian cancer syndrome. Last evaluated: 2025-10-01. Review status: criteria provided, single submitter. Criteria: Invitae Variant Classification Sherloc (09022015). Collection method: clinical testing. Allele origin: germline. Not counted in ClinVar's aggregate classification.
Comment: This sequence change creates a premature translational stop signal (p.Ser770*) in the BRCA1 gene. It is expected to result in an absent or disrupted protein product. Loss-of-function variants in BRCA1 are known to be pathogenic (PMID: 20104584). This variant is not present in population databases (gnomAD no frequency). This premature translational stop signal has been observed in individual(s) with breast and ovarian cancer (PMID: 9808526, 10866029, 10923033, 22006311, 25452441). This variant is also known as 2428C>A. ClinVar contains an entry for this variant (Variation ID: 54527). For these reasons, this variant has been classified as Pathogenic.

Quest Diagnostics Nichols Institute San Juan Capistrano
Classification: Pathogenic. Last evaluated: 2025-07-21. Review status: criteria provided, single submitter. Criteria: Quest Diagnostics criteria. Collection method: clinical testing. Allele origin: unknown. Not counted in ClinVar's aggregate classification.
Comment: The BRCA1 c.2309C>A (p.Ser770*) variant causes the premature termination of BRCA1 protein synthesis. This variant has been reported in the published literature in individuals with breast and/or ovarian cancer (PMID: 229446198 (2018), 5452441 (2015), 15340362 (2004), 9808526 (1998), 27553368 (2016), 19818148 (2009)). This variant has not been reported in large, multi-ethnic general populations (Genome Aggregation Database). Based on the available information, this variant is classified as pathogenic.

Ambry Genetics
Classification: Pathogenic for Hereditary cancer-predisposing syndrome. Last evaluated: 2025-07-09. Review status: criteria provided, single submitter. Criteria: Ambry Variant Classification Scheme 2023. Collection method: clinical testing. Allele origin: germline. Not counted in ClinVar's aggregate classification.
Comment: The p.S770* pathogenic mutation (also known as c.2309C>A), located in coding exon 9 of the BRCA1 gene, results from a C to A substitution at nucleotide position 2309. This changes the amino acid from a serine to a stop codon within coding exon 9. This mutation was originally reported in an Italian high-risk breast cancer family (Santarosa M et al. Int. J. Cancer 1998 Nov;78(5):581-6). This alteration is expected to result in loss of function by premature protein truncation or nonsense-mediated mRNA decay. As such, this alteration is interpreted as a disease-causing mutation.

Molecular Diagnostics Laboratory, Catalan Institute of Oncology
Classification: Pathogenic for Hereditary cancer-predisposing syndrome. Last evaluated: 2025-06-24. Review status: criteria provided, single submitter. Criteria: ClinGen BRCA1BRCA2 ACMG Specifications BRCA1 V1.0.0. Collection method: clinical testing. Allele origin: germline. Not counted in ClinVar's aggregate classification.
Comment: PVS1, PM5_PTC_Strong, PM2_Supporting c.2309C>A, located in exon 10 (11 in BIC nomenclature) of the BRCA1 gene, is a nonsense variant expected to result in loss of function by premature protein truncation and nonsense-mediated mRNA decay, p.(Ser770*)(PVS1, PM5_PTC_strong).It is not present in the population exome database gnomAD v2.1.1, exome non-cancer data set (PM2_Supporting). The SpliceAI algorithm predicts no significant impact on splicing. To our knowledge, functional studies have not been performed for this variant. This variant has been reported in the ClinVar database (14x pathogenic), in the LOVD database (8x pathogenic) and in the BRCA Exchange database as a pathogenic variant (�Variant allele predicted to encode a truncated non-functional protein�). Based on currently available information, the variant c.2309C>A is classified as a pathogenic variant according to ClinGen-BRCA1 and BRCA2 Guidelines version 1.0.0.

GeneDx
Classification: Pathogenic. Last evaluated: 2025-02-04. Review status: criteria provided, single submitter. Criteria: GeneDx Variant Classification Process June 2021. Collection method: clinical testing. Allele origin: germline. Affected: yes. Not counted in ClinVar's aggregate classification.
Comment: Nonsense variant predicted to result in protein truncation or nonsense mediated decay in a gene for which loss of function is a known mechanism of disease; Not observed at significant frequency in large population cohorts (gnomAD); Observed in individuals with a personal or family history consistent with pathogenic variants in this gene (PMID: 9808526, 15340362, 19818148, 22006311); Truncating variants in this gene are considered pathogenic by a well-established clinical consortium and/or database; Also known as 2428C>A; This variant is associated with the following publications: (PMID: 10866029, 16267036, 25452441, 9808526, 15340362, 19818148, 22006311, 31447099, 25525159, 19941162, 29446198, 38671360, 30580288)

Color Diagnostics, LLC DBA Color Health
Classification: Pathogenic for Hereditary cancer-predisposing syndrome. Last evaluated: 2023-03-29. Review status: criteria provided, single submitter. Criteria: ACMG Guidelines, 2015. Collection method: clinical testing. Allele origin: germline. Not counted in ClinVar's aggregate classification.
Comment: This variant changes 1 nucleotide in exon 10 of the BRCA1 gene, creating a premature translation stop signal. This variant is expected to result in an absent or non-functional protein product. This variant has been reported in multiple individuals affected with breast or ovarian cancer (PMID: 9808526, 10866029, 19818148, 22006311, 25452441). This variant has not been identified in the general population by the Genome Aggregation Database (gnomAD). Loss of BRCA1 function is a known mechanism of disease. Based on the available evidence, this variant is classified as Pathogenic.

Fulgent Genetics
Classification: Pathogenic for Familial cancer of breast; Breast-ovarian cancer, familial, susceptibility to, 1; Pancreatic cancer, susceptibility to, 4; Fanconi anemia, complementation group S. Last evaluated: 2022-03-25. Review status: criteria provided, single submitter. Criteria: ACMG Guidelines, 2015. Collection method: clinical testing. Allele origin: unknown. Not counted in ClinVar's aggregate classification.

Baylor Genetics
Classification: Pathogenic for Breast-ovarian cancer, familial, susceptibility to, 1. Last evaluated: 2021-12-28. Review status: criteria provided, single submitter. Criteria: ACMG Guidelines, 2015. Collection method: clinical testing. Allele origin: unknown. Not counted in ClinVar's aggregate classification.

Women's Health and Genetics/Laboratory Corporation of America, LabCorp
Classification: Pathogenic for Hereditary breast ovarian cancer syndrome. Last evaluated: 2021-09-04. Review status: criteria provided, single submitter. Criteria: LabCorp Variant Classification Summary - May 2015. Collection method: clinical testing. Allele origin: germline. Not counted in ClinVar's aggregate classification.
Comment: Variant summary: BRCA1 c.2309C>A (p.Ser770X) results in a premature termination codon, predicted to cause a truncation of the encoded protein or absence of the protein due to nonsense mediated decay, which are commonly known mechanisms for disease. Truncations downstream of this position have been classified as pathogenic by our laboratory. The variant was absent in 251018 control chromosomes. c.2309C>A has been reported in the literature in multiple individuals affected with Hereditary Breast And Ovarian Cancer Syndrome (example, Rebbeck_2018). These data indicate that the variant is very likely to be associated with disease. Multiple clinical diagnostic laboratories, a consortium (CIMBA), and an expert panel (ENIGMA) have submitted clinical-significance assessments for this variant to ClinVar after 2014 without evidence for independent evaluation. All submitters classified the variant as pathogenic. Based on the evidence outlined above, the variant was classified as pathogenic.